The following is an entry in ClinVar:

NM_001164665.2(KIAA1549):c.92G>C (p.Arg31Pro)

Gene: KIAA1549 (KIAA1549; minus strand). Cytogenetic location: 7q34.
Variant type: single nucleotide variant.
Coding change: c.92G>C on transcript NM_001164665.2 (MANE Select); coding-DNA position 92, G replaced by C.
Protein change: p.Arg31Pro; replaces arginine 31 with proline.
Molecular consequence: missense variant.
Genome position (GRCh38, 1-based): chr7:138,981,178, C>G on the plus strand (G>C on the coding strand, the complement: KIAA1549 is on the minus strand). VCF-style: chr7-138981178-C-G. GRCh37 (hg19) VCF-style: chr7-138665924-C-G.
Other names: c.92G>C, p.Arg31Pro (NM_020910.3); c.92G>C (NM_001164665.1); short protein forms R31P.
Identifiers: ClinVar variation 1520349 (VCV001520349.7), dbSNP rs1044503944, ClinGen allele CA167169281.

ClinVar aggregate classification (germline): Uncertain significance. Review status: criteria provided, multiple submitters, no conflicts (2 of 4 stars). 2 submissions from 2 submitters: Uncertain significance (2). Last evaluated 2025-01-17.

Conditions:
Inborn genetic diseases. Identifiers: MedGen C0950123, MeSH D030342.

Allele frequency attached by ClinVar (database versions not stated): TOPMed 0.00006; 1000 Genomes Project 30x 0.00031.
gnomAD v4.1: 73 of 1,145,256 alleles (0.0064%); highest among the groups gnomAD compares: South Asian, 0.1%; no homozygotes.

Submissions (2):

Ambry Genetics
Classification: Uncertain significance for Inborn genetic diseases. Last evaluated: 2025-01-17. Review status: criteria provided, single submitter. Criteria: Ambry Variant Classification Scheme 2023. Collection method: clinical testing. Allele origin: germline.

Labcorp Genetics (formerly Invitae), Labcorp
Classification: Uncertain significance. Last evaluated: 2023-11-27. Review status: criteria provided, single submitter. Criteria: Invitae Variant Classification Sherloc (09022015). Collection method: clinical testing. Allele origin: germline.
Comment: This sequence change replaces arginine, which is basic and polar, with proline, which is neutral and non-polar, at codon 31 of the KIAA1549 protein (p.Arg31Pro). This variant is present in population databases (no rsID available, gnomAD 0.02%). This variant has not been reported in the literature in individuals affected with KIAA1549-related conditions. ClinVar contains an entry for this variant (Variation ID: 1520349). An algorithm developed to predict the effect of missense changes on protein structure and function (PolyPhen-2) suggests that this variant¬†is likely to be tolerated. In summary, the available evidence is currently insufficient to determine the role of this variant in disease. Therefore, it has been classified as a Variant of Uncertain Significance.